The following is an entry in ClinVar:

ClinVar aggregate classification (germline): Benign/Likely benign. Review status: criteria provided, multiple submitters, no conflicts (2 of 4 stars). 12 submissions from 12 submitters: Benign (5); Likely benign (5). 2 of the submissions do not count toward it. Last evaluated 2026-06-01.

Conditions:
Cardiovascular phenotype. Identifiers: MedGen CN230736.
Brugada syndrome 4 (BRGDA4). Identifiers: Orphanet 130, MedGen C2678477, MONDO:0012743, OMIM 611876.

Allele frequency attached by ClinVar (database versions not stated): 1000 Genomes Project 0.00080; 1000 Genomes Project 30x 0.00094; TOPMed 0.00320; gnomAD 0.00339 and 0.00355; gnomAD exomes 0.00339; ExAC 0.00352; ESP Exome Variant Server 0.00423.
gnomAD v4.1: 7,985 of 1,609,340 alleles (0.5%); highest among the groups gnomAD compares: Non-Finnish European, 0.63%; 32 homozygotes.

Submissions (12):

CeGaT Center for Human Genetics Tuebingen
Classification: Likely benign. Last evaluated: 2026-06-01. Review status: criteria provided, single submitter. Criteria: CeGaT Center For Human Genetics Tuebingen Variant Classification Criteria Version 2. Collection method: clinical testing. Allele origin: germline. Affected: yes. Observed: 4 variant alleles.
Comment: CACNB2: BP4, BS2

Labcorp Genetics (formerly Invitae), Labcorp
Classification: Benign for Brugada syndrome 4. Last evaluated: 2026-02-02. Review status: criteria provided, single submitter. Criteria: Invitae Variant Classification Sherloc (09022015). Collection method: clinical testing. Allele origin: germline.

Blueprint Genetics
Classification: Likely benign. Last evaluated: 2024-11-26. Review status: criteria provided, single submitter. Criteria: ACMG Guidelines, 2015. Collection method: clinical testing. Allele origin: germline.

Mayo Clinic Laboratories, Mayo Clinic
Classification: Benign. Last evaluated: 2023-07-07. Review status: criteria provided, single submitter. Criteria: ACMG Guidelines, 2015. Collection method: clinical testing. Allele origin: germline. Observed: 5 variant alleles.
Comment: BS1, BS2, BP4, BP7

ARUP Laboratories, Molecular Genetics and Genomics, ARUP Laboratories
Classification: Likely benign for Brugada syndrome 4. Last evaluated: 2021-03-13. Review status: criteria provided, single submitter. Criteria: ARUP Molecular Germline Variant Investigation Process 2021. Collection method: clinical testing. Allele origin: germline.

Women's Health and Genetics/Laboratory Corporation of America, LabCorp
Classification: Benign. Last evaluated: 2019-05-27. Review status: criteria provided, single submitter. Criteria: LabCorp Variant Classification Summary - May 2015. Collection method: clinical testing. Allele origin: germline.
Comment: Variant summary: CACNB2 c.711G>A alters a conserved nucleotide resulting in a synonymous change. 5/5 computational tools predict no significant impact on normal splicing. However, these predictions have yet to be confirmed by functional studies. The variant allele was found at a frequency of 0.0034 in 250822 control chromosomes in the gnomAD database, including 2 homozygotes. The observed variant frequency is approximately 339 fold of the estimated maximal expected allele frequency for a pathogenic variant in CACNB2 causing Arrhythmia phenotype (1e-05), strongly suggesting that the variant is benign. c.711G>A has been reported in the literature in patients with Autistic Spectrum Disorder (Breitenkamp_2014). This report however, does not provide unequivocal conclusions about association of the variant with Arrhythmia. To our knowledge, no experimental evidence demonstrating an impact on protein function has been reported. Three submitters have provided clinical-significance assessments for this variant to ClinVar after 2014 without evidence for independent evaluation (2x benign/likely benign and 1x uncertain significance). Based on the evidence outlined above, the variant was classified as benign.

Ambry Genetics
Classification: Likely benign for Cardiovascular phenotype. Last evaluated: 2015-09-15. Review status: criteria provided, single submitter. Criteria: Ambry Variant Classification Scheme 2023. Collection method: clinical testing. Allele origin: germline.

GeneDx
Classification: Benign. Last evaluated: 2015-03-03. Review status: criteria provided, single submitter. Criteria: GeneDx Variant Classification Process June 2021. Collection method: clinical testing. Allele origin: germline. Affected: yes.

Eurofins Ntd Llc (ga)
Classification: Benign. Last evaluated: 2014-11-12. Review status: criteria provided, single submitter. Criteria: EGL Classification Definitions 2015. Collection method: clinical testing. Allele origin: germline. Observed: 1 variant allele, 1 heterozygote.

Breakthrough Genomics
Classification: Likely benign. Review status: criteria provided, single submitter. Criteria: ACMG Guidelines, 2015. Collection method: not provided. Allele origin: germline. Inheritance: Autosomal dominant inheritance. Affected: yes.

Clinical Genetics, Academic Medical Center
Classification: Benign. Review status: no assertion criteria provided. Collection method: clinical testing. Allele origin: germline. Affected: yes. Study: VKGL Data-share Consensus. Not counted in ClinVar's aggregate classification.

Joint Genome Diagnostic Labs from Nijmegen and Maastricht, Radboudumc and MUMC+
Classification: Benign. Review status: no assertion criteria provided. Collection method: clinical testing. Allele origin: germline. Affected: yes. Study: VKGL Data-share Consensus. Not counted in ClinVar's aggregate classification.

Literature cited by the submitters: PubMed 24752249 (cited by Women's Health and Genetics/Laboratory Corporation of America, LabCorp).

NM_201596.3(CACNB2):c.873G>A (p.Leu291=)

Gene: CACNB2 (calcium voltage-gated channel auxiliary subunit beta 2; plus strand). Cytogenetic location: 10p12.31.
Variant type: single nucleotide variant.
Coding change: c.873G>A on transcript NM_201596.3 (MANE Select); coding-DNA position 873, G replaced by A.
Protein change: p.Leu291=; no amino-acid change (leucine 291 retained).
Molecular consequence: synonymous variant.
Genome position (GRCh38, 1-based): chr10:18,518,404, G>A. VCF-style: chr10-18518404-G-A. GRCh37 (hg19) VCF-style: chr10-18807333-G-A.
Other names: p.Leu237=; c.708G>A, p.Leu236= (NM_000724.4); c.675G>A, p.Leu225= (NM_001167945.2); c.594G>A, p.Leu198= (NM_001330060.2); c.729G>A, p.Leu243= (NM_201570.3); c.789G>A, p.Leu263= (NM_201571.4); c.717G>A, p.Leu239= (NM_201572.4); c.711G>A, p.Leu237= (NM_201590.3); and 2 more.
Identifiers: ClinVar variation 198635 (VCV000198635.58), dbSNP rs138423466, ClinGen allele CA203533.
Genomic context (GRCh38, chr10:18,518,404, plus strand): 5'-CACTCCTCCGTATGATGTGGTACCTTCCATGCGACCAGTGGTCCTAGTGGGCCCTTCTCT[G>A]AAGGGCTACGAGGTGGGTAGCAGCCTTCCACAGGAAGCTTAACTTGCATGCTGAACTTCT-3'
Protein context (NP_963890.2, residues 281-301): MRPVVLVGPS[Leu291=]KGYEVTDMMQ